The following is an entry in ClinVar:

NM_001281775.3(ZMYND8):c.1514G>A (p.Gly505Glu)

Gene: ZMYND8 (zinc finger MYND-type containing 8; minus strand). Cytogenetic location: 20q13.12.
Variant type: single nucleotide variant.
Coding change: c.1514G>A on transcript NM_001281775.3 (MANE Select); coding-DNA position 1514, G replaced by A.
Protein change: p.Gly505Glu; replaces glycine 505 with glutamic acid.
Molecular consequence: missense variant. On other transcripts: intron variant (2).
Genome position (GRCh38, 1-based): chr20:47,262,395, C>T on the plus strand (G>A on the coding strand, the complement: ZMYND8 is on the minus strand). VCF-style: chr20-47262395-C-T. GRCh37 (hg19) VCF-style: chr20-45891139-C-T.
Other names: c.1439G>A, p.Gly480Glu (NM_001281771.3, NM_001281777.3, NM_001281778.3 and 2 more transcripts); c.1454G>A, p.Gly485Glu (NM_001281772.3, NM_001281773.3, NM_001281774.3 and 1 more transcripts); c.1514G>A, p.Gly505Glu (NM_001281776.3, NM_001281783.3, NM_012408.6 and 1 more transcripts); c.710G>A, p.Gly237Glu (NM_001281779.3, NM_001281780.3); c.1535G>A, p.Gly512Glu (NM_001363714.1); c.1406-12956G>A (NM_001281781.3, NM_001281784.3); short protein forms G237E, G480E, G485E, G505E, G512E.
Identifiers: ClinVar variation 3899635 (VCV003899635.1).

ClinVar aggregate classification (germline): Uncertain significance (1 of 4 stars; one submission).

Submission:

GeneDx
Classification: Uncertain significance. Last evaluated: 2024-11-13. Review status: criteria provided, single submitter. Criteria: GeneDx Variant Classification Process June 2021. Collection method: clinical testing. Allele origin: germline. Affected: yes.
Comment: Not observed at significant frequency in large population cohorts (gnomAD); In silico analysis indicates that this missense variant does not alter protein structure/function; Has not been previously published as pathogenic or benign to our knowledge